The following is an entry in ClinVar:

Conditions:
Long QT syndrome 5 (LQT5). Identifiers: Orphanet 101016, Orphanet 768, MedGen C1867904, MONDO:0013372, OMIM 613695.

Submission:

Roden Lab, Vanderbilt University Medical Center
No classification provided (evidence only). Condition: Long QT syndrome 5. Review status: no classification provided. Collection method: in vitro. Allele origin: not applicable. Functional consequence: Effect on ion channel function.
ClinVar note: "not provided" was previously submitted as the classification for the variant. However, the classification appeared to be based only on an observation of functional data so it was converted to no classification on 2025-07-30.

NM_000219.6(KCNE1):c.364C>G (p.Leu122Val)

Gene: KCNE1 (potassium voltage-gated channel subfamily E regulatory subunit 1; minus strand). Cytogenetic location: 21q22.12.
Variant type: single nucleotide variant.
Coding change: c.364C>G on transcript NM_000219.6 (MANE Select); coding-DNA position 364, C replaced by G.
Protein change: p.Leu122Val; replaces leucine 122 with valine.
Molecular consequence: missense variant.
Genome position (GRCh38, 1-based): chr21:34,449,271, G>C on the plus strand (C>G on the coding strand, the complement: KCNE1 is on the minus strand). VCF-style: chr21-34449271-G-C. GRCh37 (hg19) VCF-style: chr21-35821569-G-C.
Other names: c.364C>G, p.Leu122Val (NM_001127668.4, NM_001127669.4, NM_001127670.4 and 4 more transcripts); short protein forms L122V.
Identifiers: ClinVar variation 3373823 (VCV003373823.2).